The following is an entry in ClinVar:

NM_002576.5(PAK1):c.1360G>A (p.Ala454Thr)

Gene: PAK1 (p21 (RAC1) activated kinase 1; minus strand). Cytogenetic location: 11q13.5.
Variant type: single nucleotide variant.
Coding change: c.1360G>A on transcript NM_002576.5 (MANE Select); coding-DNA position 1360, G replaced by A.
Protein change: p.Ala454Thr; replaces alanine 454 with threonine.
Molecular consequence: missense variant. On other transcripts: non-coding transcript variant (2).
Genome position (GRCh38, 1-based): chr11:77,336,139, C>T on the plus strand (G>A on the coding strand, the complement: PAK1 is on the minus strand). VCF-style: chr11-77336139-C-T. GRCh37 (hg19) VCF-style: chr11-77047184-C-T.
Other names: c.1360G>A, p.Ala454Thr (NM_001376280.1, NM_001376281.1, NM_001376282.1 and 21 more transcripts); c.1381G>A, p.Ala461Thr (NM_001376272.1); c.1066G>A, p.Ala356Thr (NM_001376304.1, NM_001376305.1, NM_001376302.1); c.1237G>A, p.Ala413Thr (NM_001376290.1, NM_001376291.1); c.1351G>A, p.Ala451Thr (NM_001376294.1); c.1183G>A, p.Ala395Thr (NM_001376295.1); c.1111G>A, p.Ala371Thr (NM_001376301.1); c.1072G>A, p.Ala358Thr (NM_001376303.1); short protein forms A356T, A358T, A371T, A395T, A413T, A451T, A454T, A461T.
Identifiers: ClinVar variation 2571962 (VCV002571962.2), dbSNP rs2539943608, ClinGen allele CA382092936.
Genomic context (GRCh38, chr11:77,336,139, plus strand): 5'-CACTCACTCTCAGAGGGTTTTCATTGAGGTATGGAGGCTCCCCTTCAATCATTTCGATGG[C>T]CATGATGCCCAGGGACCAGATGTCAACCTTGGGCCCATAGGCCTTTCGTGTCACAACCTC-3'
Protein context (NP_002567.3, residues 444-464): KVDIWSLGIM[Ala454Thr]IEMIEGEPPY

ClinVar aggregate classification (germline): Uncertain significance (1 of 4 stars; one submission).

Submission:

GeneDx
Classification: Uncertain significance. Last evaluated: 2025-08-01. Review status: criteria provided, single submitter. Criteria: GeneDx Variant Classification Process June 2021. Collection method: clinical testing. Allele origin: germline. Affected: yes.
Comment: Not observed at significant frequency in large population cohorts (gnomAD); In silico analysis supports that this missense variant has a deleterious effect on protein structure/function; Has not been previously published as pathogenic or benign to our knowledge